The following is an entry in ClinVar:

NM_001371928.1(AHDC1):c.1080_1111del (p.Glu361fs)

Gene: AHDC1 (AT-hook DNA binding motif containing 1; minus strand). Cytogenetic location: 1p36.11.
Variant type: Deletion.
Coding change: c.1080_1111del on transcript NM_001371928.1 (MANE Select); coding-DNA positions 1080 to 1111, 32 bases deleted.
Protein change: p.Glu361fs; shifts the reading frame from glutamic acid 361.
Molecular consequence: frameshift variant.
Genome position (GRCh38, 1-based): chr1:27,551,005-27,551,036, 32 bases deleted; deleting any 32 consecutive bases within chr1:27,551,005-27,551,038 gives the same sequence; the c. name uses the placement nearest the transcript's 3' end. GRCh37 (hg19): chr1:27,877,518-27,877,549.
Other names: c.1080_1111del, p.Glu361fs (NM_001029882.3); short protein forms E361fs.
Identifiers: ClinVar variation 2444077 (VCV002444077.1), dbSNP rs2522043195, ClinGen allele CA2580062676.
Genomic context (GRCh38, chr1:27,551,004, plus strand): 5'-TTTGGCCTATCAGTGCGCCGCAAGGCGTACTTGGGGTGACCCTCAGGCCCGGGGGGGCCG[TGCGGTGAGCACAAGTCCAGGCGCAAGGGCTCG>T]GCCAGTGGGCAGTGCCCCAGGGGCTGCTGGGGCTCCAGACGGCGACCTGGGACGTCAAGC-3'

ClinVar aggregate classification (germline): Likely pathogenic (1 of 4 stars; one submission).

Conditions:
AHDC1-related intellectual disability - obstructive sleep apnea - mild dysmorphism syndrome. Also called: Xia-Gibbs syndrome. Identifiers: Orphanet 412069, MedGen C4014419, MONDO:0014358, OMIM 615829.

Submission:

3billion
Classification: Likely pathogenic for AHDC1-related intellectual disability - obstructive sleep apnea - mild dysmorphism syndrome. Last evaluated: 2023-02-23. Review status: criteria provided, single submitter. Criteria: ACMG Guidelines, 2015. Collection method: clinical testing. Allele origin: unknown. Affected: yes.
Comment: The variant is not observed in the gnomAD v2.1.1 dataset. This variant was predicted to result in a loss or disruption of normal protein function through nonsense-mediated decay (NMD) or protein truncation. Multiple pathogenic variants are reported downstream of the variant. Therefore, this variant is classified as Likely pathogenic according to the recommendation of ACMG/AMP guideline.